The following is an entry in ClinVar:

ClinVar aggregate classification (germline): Benign. Review status: criteria provided, single submitter (1 of 4 stars). 2 submissions from 2 submitters: Benign (1). 1 of the submissions does not count toward it. Last evaluated 2019-12-31.

Conditions:
NOS1-related disorder. Also called: NOS1-related condition.

Allele frequency attached by ClinVar (database versions not stated): 1000 Genomes Project 0.00240; 1000 Genomes Project 30x 0.00250; ESP Exome Variant Server 0.00369; TOPMed 0.00411.
gnomAD v4.1: 1,067 of 1,613,232 alleles (0.066%); highest among the groups gnomAD compares: African/African-American, 1.3%; 7 homozygotes.

Submissions (2):

Labcorp Genetics (formerly Invitae), Labcorp
Classification: Benign. Last evaluated: 2019-12-31. Review status: criteria provided, single submitter. Criteria: Invitae Variant Classification Sherloc (09022015). Collection method: clinical testing. Allele origin: germline.

PreventionGenetics, part of Exact Sciences
Classification: Benign for NOS1-related condition. Last evaluated: 2019-04-30. Review status: no assertion criteria provided. Collection method: clinical testing. Allele origin: germline. Not counted in ClinVar's aggregate classification.
Comment: This variant is classified as benign based on ACMG/AMP sequence variant interpretation guidelines (Richards et al. 2015 PMID: 25741868, with internal and published modifications).

NM_000620.5(NOS1):c.3066C>G (p.Leu1022=)

Gene: NOS1 (nitric oxide synthase 1; minus strand). Cytogenetic location: 12q24.22.
Variant type: single nucleotide variant.
Coding change: c.3066C>G on transcript NM_000620.5 (MANE Select); coding-DNA position 3066, C replaced by G.
Protein change: p.Leu1022=; no amino-acid change (leucine 1022 retained).
Molecular consequence: synonymous variant.
Genome position (GRCh38, 1-based): chr12:117,234,734, G>C on the plus strand (C>G on the coding strand, the complement: NOS1 is on the minus strand). VCF-style: chr12-117234734-G-C. GRCh37 (hg19) VCF-style: chr12-117672539-G-C.
Other names: c.2058C>G, p.Leu686= (NM_001204213.2, NM_001204214.2); c.3168C>G, p.Leu1056= (NM_001204218.2); c.3168C>G (NM_001204218.1).
Identifiers: ClinVar variation 788441 (VCV000788441.6), dbSNP rs13377860, ClinGen allele CA6814605.